The following is an entry in ClinVar:

NM_006648.4(WNK2):c.4561C>A (p.Pro1521Thr)

Gene: WNK2 (WNK lysine deficient protein kinase 2; plus strand). Cytogenetic location: 9q22.31.
Variant type: single nucleotide variant.
Coding change: c.4561C>A on transcript NM_006648.4 (MANE Select); coding-DNA position 4561, C replaced by A.
Protein change: p.Pro1521Thr; replaces proline 1521 with threonine.
Molecular consequence: missense variant.
Genome position (GRCh38, 1-based): chr9:93,289,315, C>A. VCF-style: chr9-93289315-C-A. GRCh37 (hg19) VCF-style: chr9-96051597-C-A.
Other names: c.4672C>A, p.Pro1558Thr (NM_001282394.3); short protein forms P1521T, P1558T.
Identifiers: ClinVar variation 4866583 (VCV004866583.1).
Genomic context (GRCh38, chr9:93,289,315, plus strand): 5'-CCTGCCGCAGTGGGGGCCGTCAGCCTGGCCACCTCCCAGCTCCCAAGCCCACCCCTGGGG[C>A]CCACCGTCCCCCCACAGCCACCCTCGGCCCTGGAGTCGGATGGGGAAGGGCCGCCCCCCA-3'
Protein context (NP_006639.3, residues 1511-1531): TSQLPSPPLG[Pro1521Thr]TVPPQPPSAL

ClinVar aggregate classification (germline): Uncertain significance (1 of 4 stars; one submission).

Submission:

Ambry Genetics
Classification: Uncertain significance. Last evaluated: 2026-04-11. Review status: criteria provided, single submitter. Criteria: Ambry Variant Classification Scheme 2023. Collection method: clinical testing. Allele origin: germline.
Comment: The p.P1521T variant (also known as c.4561C>A), located in coding exon 19 of the WNK2 gene, results from a C to A substitution at nucleotide position 4561. The proline at codon 1521 is replaced by threonine, an amino acid with highly similar properties. This amino acid position is conserved. In addition, this alteration is predicted to be tolerated by in silico analysis. Based on the available evidence, the clinical significance of this variant remains unclear.